The following is an entry in ClinVar:

NM_004960.4(FUS):c.285C>T (p.Ser95=)

Gene: FUS (FUS RNA binding protein; plus strand). Cytogenetic location: 16p11.2.
Variant type: single nucleotide variant.
Coding change: c.285C>T on transcript NM_004960.4 (MANE Select); coding-DNA position 285, C replaced by T.
Protein change: p.Ser95=; no amino-acid change (serine 95 retained).
Molecular consequence: synonymous variant. On other transcripts: non-coding transcript variant (1).
Genome position (GRCh38, 1-based): chr16:31,183,952, C>T. VCF-style: chr16-31183952-C-T. GRCh37 (hg19) VCF-style: chr16-31195273-C-T.
Other names: c.282C>T, p.Ser94= (NM_001170634.1); c.285C>T, p.Ser95= (NM_001170937.1).
Identifiers: ClinVar variation 3057635 (VCV003057635.2), dbSNP rs762095418, ClinGen allele CA280593459.

ClinVar aggregate classification (germline): Likely benign (0 of 4 stars; one submission).

Conditions:
FUS-related disorder. Also called: FUS-related condition.

gnomAD v4.1: 2 of 1,613,838 alleles (0.00012%); highest among the groups gnomAD compares: African/African-American, 0.0013%; no homozygotes.

Submission:

PreventionGenetics, part of Exact Sciences
Classification: Likely benign for FUS-related condition. Last evaluated: 2019-03-22. Review status: no assertion criteria provided. Collection method: clinical testing. Allele origin: germline.
Comment: This variant is classified as likely benign based on ACMG/AMP sequence variant interpretation guidelines (Richards et al. 2015 PMID: 25741868, with internal and published modifications).